The following is an entry in ClinVar:

ClinVar aggregate classification (germline): Uncertain significance (1 of 4 stars; one submission).

Conditions:
Leigh syndrome (NULS). Also called: Leigh's necrotizing encephalopathy; Leigh's disease; Leigh Syndrome (mtDNA deletion); Leigh Disease; Subacute necrotizing encephalopathy; Necrotizing encephalopathy infantile subacute of Leigh. Identifiers: Orphanet 506, MedGen C2931891, MONDO:0009723, OMIM 256000.

Submission:

Wong Mito Lab, Molecular and Human Genetics, Baylor College of Medicine
Classification: Uncertain significance for Leigh syndrome. Last evaluated: 2019-10-17. Review status: criteria provided, single submitter. Criteria: Modified ACMG Guidelines (Unpublished). Collection method: clinical testing. Allele origin: germline.
Comment: The NC_012920.1:m.3910G>A (YP_003024026.1:p.Glu202Lys) variant in MTND1 gene is interpretated to be a Uncertain Significance variant based on the modified ACMG guidelines (unpublished). This variant meets the following evidence codes: BP5

NC_012920.1(MT-ND1):m.3910G>A

Gene: MT-ND1 (mitochondrially encoded NADH dehydrogenase 1; plus strand).
Variant type: single nucleotide variant.
Genome position: chrM-3910-G-A.
Identifiers: ClinVar variation 692407 (VCV000692407.1), dbSNP rs1603219195, ClinGen allele CA414773780.